The following is an entry in ClinVar:

ClinVar aggregate classification (germline): Uncertain significance (1 of 4 stars; one submission).

Allele frequency attached by ClinVar (database versions not stated): ExAC 0.00001; gnomAD exomes 0.00001; gnomAD 0.00002.

Submission:

Labcorp Genetics (formerly Invitae), Labcorp
Classification: Uncertain significance. Last evaluated: 2022-11-22. Review status: criteria provided, single submitter. Criteria: Invitae Variant Classification Sherloc (09022015). Collection method: clinical testing. Allele origin: germline.
Comment: This variant is present in population databases (rs527383658, gnomAD 0.003%). This variant has not been reported in the literature in individuals affected with VPS13C-related conditions. Advanced modeling of protein sequence and biophysical properties (such as structural, functional, and spatial information, amino acid conservation, physicochemical variation, residue mobility, and thermodynamic stability) performed at Invitae indicates that this missense variant is expected to disrupt VPS13C protein function. In summary, the available evidence is currently insufficient to determine the role of this variant in disease. Therefore, it has been classified as a Variant of Uncertain Significance. This sequence change replaces glutamic acid, which is acidic and polar, with glutamine, which is neutral and polar, at codon 3586 of the VPS13C protein (p.Glu3586Gln).

NM_020821.3(VPS13C):c.10756G>C (p.Glu3586Gln)

Gene: VPS13C (vacuolar protein sorting 13 homolog C; minus strand). Cytogenetic location: 15q22.2.
Variant type: single nucleotide variant.
Coding change: c.10756G>C on transcript NM_020821.3 (MANE Select); coding-DNA position 10756, G replaced by C.
Protein change: p.Glu3586Gln; replaces glutamic acid 3586 with glutamine.
Molecular consequence: missense variant.
Genome position (GRCh38, 1-based): chr15:61,868,766, C>G on the plus strand (G>C on the coding strand, the complement: VPS13C is on the minus strand). VCF-style: chr15-61868766-C-G. GRCh37 (hg19) VCF-style: chr15-62160965-C-G.
Other names: c.10756G>C, p.Glu3586Gln (NM_001018088.3); c.10627G>C, p.Glu3543Gln (NM_017684.5, NM_018080.4); short protein forms E3543Q, E3586Q.
Identifiers: ClinVar variation 1980010 (VCV001980010.4), dbSNP rs527383658, ClinGen allele CA7594234.